The following is an entry in ClinVar:

NM_000393.5(COL5A2):c.2228A>C (p.Lys743Thr)

Gene: COL5A2 (collagen type V alpha 2 chain; minus strand). Cytogenetic location: 2q32.2.
Variant type: single nucleotide variant.
Coding change: c.2228A>C on transcript NM_000393.5 (MANE Select); coding-DNA position 2228, A replaced by C.
Protein change: p.Lys743Thr; replaces lysine 743 with threonine.
Molecular consequence: missense variant.
Genome position (GRCh38, 1-based): chr2:189,058,430, T>G on the plus strand (A>C on the coding strand, the complement: COL5A2 is on the minus strand). VCF-style: chr2-189058430-T-G. GRCh37 (hg19) VCF-style: chr2-189923156-T-G.
Other names: p.Lys743Thr; c.2228A>C (NM_000393.4); short protein forms K743T.
Identifiers: ClinVar variation 529241 (VCV000529241.17), dbSNP rs372812220, ClinGen allele CA2022414.

ClinVar aggregate classification (germline): Conflicting classifications of pathogenicity. Review status: criteria provided, conflicting classifications (1 of 4 stars). 5 submissions from 5 submitters: Uncertain significance (4); Likely benign (1). Last evaluated 2026-07-26.

Conditions:
Ehlers-Danlos syndrome, classic type, 1 (EDSCL1). Also called: Ehlers-Danlos Syndrome, Classic Type, COL5A1-Related; EHLERS-DANLOS SYNDROME, GRAVIS TYPE; EHLERS-DANLOS SYNDROME, SEVERE CLASSIC TYPE; Ehlers-Danlos syndrome, type 1; EDS I. Identifiers: MedGen C0268335, MONDO:0019567, OMIM 130000.

Allele frequency attached by ClinVar (database versions not stated): gnomAD 0.00001; TOPMed 0.00001; ExAC 0.00002; gnomAD exomes 0.00002 and 0.00010; ESP Exome Variant Server 0.00008.
gnomAD v4.1: 149 of 1,612,770 alleles (0.0092%); highest among the groups gnomAD compares: Non-Finnish European, 0.012%; no homozygotes.

Submissions (5):

GeneDx
Classification: Uncertain significance. Last evaluated: 2026-07-26. Review status: criteria provided, single submitter. Criteria: GeneDx Variant Classification Process June 2021. Collection method: clinical testing. Allele origin: germline.
Comment: Identified in an individual with hypermobility and coronary artery dissection who also harbors the COL3A1 p.(I66M) variant (PMID: 27011056); Not observed at significant frequency in large population cohorts (gnomAD); In silico analysis supports that this missense variant has a deleterious effect on protein structure/function; This variant is associated with the following publications: (PMID: 27011056)

Labcorp Genetics (formerly Invitae), Labcorp
Classification: Uncertain significance for Ehlers-Danlos syndrome, classic type, 1. Last evaluated: 2025-05-17. Review status: criteria provided, single submitter. Criteria: Invitae Variant Classification Sherloc (09022015). Collection method: clinical testing. Allele origin: germline.
Comment: This sequence change replaces lysine, which is basic and polar, with threonine, which is neutral and polar, at codon 743 of the COL5A2 protein (p.Lys743Thr). This variant is present in population databases (rs372812220, gnomAD 0.004%). This variant has not been reported in the literature in individuals affected with COL5A2-related conditions. ClinVar contains an entry for this variant (Variation ID: 529241). Experimental studies and prediction algorithms are not available or were not evaluated, and the functional significance of this variant is currently unknown. In summary, the available evidence is currently insufficient to determine the role of this variant in disease. Therefore, it has been classified as a Variant of Uncertain Significance.

Women's Health and Genetics/Laboratory Corporation of America, LabCorp
Classification: Likely benign. Last evaluated: 2024-06-26. Review status: criteria provided, single submitter. Criteria: LabCorp Variant Classification Summary - May 2015. Collection method: clinical testing. Allele origin: germline.
Comment: Variant summary: COL5A2 c.2228A>C (p.Lys743Thr) results in a non-conservative amino acid change in the encoded protein sequence. Four of five in-silico tools predict a damaging effect of the variant on protein function. Consensus agreement among computation tools predict no significant impact on normal splicing. However, these predictions have yet to be confirmed by functional studies. The variant allele was found at a frequency of 9.2e-05 in 1612770 control chromosomes, predominantly at a frequency of 0.00012 within the Non-Finnish European subpopulation in the gnomAD database. The observed variant frequency within Non-Finnish European control individuals in the gnomAD database is approximately 19-fold of the estimated maximal expected allele frequency for a pathogenic variant in COL5A2 causing Ehlers-Danlos Syndrome phenotype (6.3e-06). c.2228A>C has been reported in the literature in a setting of multigene panel testing in an individual affected with Ehlers-Danlos Syndrome who also harbored a variant of uncertain significance in COL3A1 (Weerakkody_2016). This report does not provide unequivocal conclusions about association of the variant with Ehlers-Danlos Syndrome. To our knowledge, no experimental evidence demonstrating an impact on protein function has been reported. The following publication have been ascertained in the context of this evaluation (PMID: 27011056). ClinVar contains an entry for this variant (Variation ID: 529241). Based on the evidence outlined above, the variant was classified as likely benign.

Blueprint Genetics
Classification: Uncertain significance. Last evaluated: 2023-11-03. Review status: criteria provided, single submitter. Criteria: ACMG Guidelines, 2015. Collection method: clinical testing. Allele origin: germline.

Mayo Clinic Laboratories, Mayo Clinic
Classification: Uncertain significance. Last evaluated: 2022-05-19. Review status: criteria provided, single submitter. Criteria: ACMG Guidelines, 2015. Collection method: clinical testing. Allele origin: germline. Observed: 1 variant allele.
Comment: BS1

Literature cited by the submitters: PubMed 27011056 (cited by Women's Health and Genetics/Laboratory Corporation of America, LabCorp).